The following is an entry in ClinVar:

NM_000532.5(PCCB):c.513G>C (p.Glu171Asp)

Gene: PCCB (propionyl-CoA carboxylase subunit beta; plus strand). Cytogenetic location: 3q22.3.
Variant type: single nucleotide variant.
Coding change: c.513G>C on transcript NM_000532.5 (MANE Select); coding-DNA position 513, G replaced by C.
Protein change: p.Glu171Asp; replaces glutamic acid 171 with aspartic acid.
Molecular consequence: missense variant.
Genome position (GRCh38, 1-based): chr3:136,262,035, G>C. VCF-style: chr3-136262035-G-C. GRCh37 (hg19) VCF-style: chr3-135980877-G-C.
Other names: c.573G>C, p.Glu191Asp (NM_001178014.2); short protein forms E171D, E191D.
Identifiers: ClinVar variation 1482086 (VCV001482086.3), dbSNP rs1941842177, ClinGen allele CA354739920.
Genomic context (GRCh38, chr3:136,262,035, plus strand): 5'-GGGGGCTCCAGTGATTGGGCTGAATGACTCTGGGGGAGCACGGATCCAAGAAGGAGTGGA[G>C]TCTTTGGCTGGCTATGCAGACATCTTTCTGGTGAGAAACCTGTTAATAGAGAATAAAAAA-3'
Protein context (NP_000523.2, residues 161-181): SGGARIQEGV[Glu171Asp]SLAGYADIFL

ClinVar aggregate classification (germline): Uncertain significance (1 of 4 stars; one submission).

Conditions:
Propionic acidemia (PROP). Also called: GLYCINEMIA, KETOTIC; HYPERGLYCINEMIA WITH KETOACIDOSIS AND LEUKOPENIA; KETOTIC HYPERGLYCINEMIA. Identifiers: Orphanet 35, MedGen C0268579, MONDO:0011628, OMIM 606054, HP:0003571.

Allele frequency attached by ClinVar (database versions not stated): gnomAD exomes below 0.00001.
gnomAD v4.1: 1 of 1,557,180 alleles (0.000064%); highest among the groups gnomAD compares: African/African-American, 0.0014%; no homozygotes.

Submission:

Labcorp Genetics (formerly Invitae), Labcorp
Classification: Uncertain significance for Propionic acidemia. Last evaluated: 2021-08-07. Review status: criteria provided, single submitter. Criteria: Invitae Variant Classification Sherloc (09022015). Collection method: clinical testing. Allele origin: germline.
Comment: This sequence change replaces glutamic acid with aspartic acid at codon 171 of the PCCB protein (p.Glu171Asp). The glutamic acid residue is highly conserved and there is a small physicochemical difference between glutamic acid and aspartic acid. This variant is not present in population databases (ExAC no frequency). This variant has not been reported in the literature in individuals affected with PCCB-related conditions. Advanced modeling of protein sequence and biophysical properties (such as structural, functional, and spatial information, amino acid conservation, physicochemical variation, residue mobility, and thermodynamic stability) performed at Invitae indicates that this missense variant is not expected to disrupt PCCB protein function. In summary, the available evidence is currently insufficient to determine the role of this variant in disease. Therefore, it has been classified as a Variant of Uncertain Significance.